The following is an entry in ClinVar:

ClinVar aggregate classification (germline): Uncertain significance (1 of 4 stars; one submission).

Conditions:
RPGRIP1L-related disorder. Also called: RPGRIP1L-related disorders; RPGRIP1L-related condition. Identifiers: MedGen CN239416.

gnomAD v4.1: 15 of 1,589,086 alleles (0.00094%); highest among the groups gnomAD compares: Non-Finnish European, 0.0013%; no homozygotes.

Submission:

PreventionGenetics, part of Exact Sciences
Classification: Uncertain significance for RPGRIP1L-related condition. Last evaluated: 2025-03-17. Review status: criteria provided, single submitter. Criteria: ACMG Guidelines, 2015. Collection method: clinical testing. Allele origin: germline.
Comment: The RPGRIP1L c.777-9A>G variant is predicted to interfere with splicing. To our knowledge, this variant has not been reported in the literature or in a large population database (gnomAD), indicating this variant is rare. At this time, the clinical significance of this variant is uncertain due to the absence of conclusive functional and genetic evidence.

NM_015272.5(RPGRIP1L):c.777-9A>G

Gene: RPGRIP1L (RPGRIP1 like; minus strand). Cytogenetic location: 16q12.2.
Variant type: single nucleotide variant.
Coding change: c.777-9A>G on transcript NM_015272.5 (MANE Select); 9 bases into the intron before coding-DNA position 777, A replaced by G.
Molecular consequence: intron variant.
Genome position (GRCh38, 1-based): chr16:53,675,131, T>C on the plus strand (A>G on the coding strand, the complement: RPGRIP1L is on the minus strand). VCF-style: chr16-53675131-T-C. GRCh37 (hg19) VCF-style: chr16-53709043-T-C.
Other names: c.777-9A>G (NM_001127897.4, NM_001330538.2, NM_001308334.3).
Identifiers: ClinVar variation 4997110 (VCV004997110.1).